The following is an entry in ClinVar:

ClinVar aggregate classification (germline): Pathogenic (1 of 4 stars; one submission).

Conditions:
Nemaline myopathy 2 (NEM2). Also called: Nemaline myopathy 2, autosomal recessive. Identifiers: MedGen C1850569, MONDO:0009725, OMIM 256030.

Submission:

Labcorp Genetics (formerly Invitae), Labcorp
Classification: Pathogenic for Nemaline myopathy 2. Last evaluated: 2022-07-19. Review status: criteria provided, single submitter. Criteria: Invitae Variant Classification Sherloc (09022015). Collection method: clinical testing. Allele origin: germline.
Comment: This sequence change creates a premature translational stop signal (p.Lys1866Glnfs*40) in the NEB gene. It is expected to result in an absent or disrupted protein product. Loss-of-function variants in NEB are known to be pathogenic (PMID: 25205138). For these reasons, this variant has been classified as Pathogenic. ClinVar contains an entry for this variant (Variation ID: 1445125). This variant has not been reported in the literature in individuals affected with NEB-related conditions. This variant is not present in population databases (gnomAD no frequency).

Literature cited by the submitters: PubMed 25205138.

NM_001164508.2(NEB):c.5595dup (p.Lys1866fs)

Gene: NEB (nebulin; minus strand). Cytogenetic location: 2q23.3.
Variant type: Duplication.
Coding change: c.5595dup on transcript NM_001164508.2 (MANE Select); coding-DNA position 5595, one base duplicated (C; older notation c.5595dupC).
Protein change: p.Lys1866fs; shifts the reading frame from lysine 1866.
Molecular consequence: frameshift variant.
Genome position (GRCh38, 1-based): chr2:151,663,716, G duplicated on the plus strand (C on the coding strand, the reverse complement: NEB is on the minus strand); the first of 2 consecutive G bases (chr2:151,663,716-151,663,717); duplicating either gives the same sequence. VCF-style (leftmost placement, unchanged base first): chr2-151663715-T-TG. GRCh37 (hg19) VCF-style: chr2-152520229-T-TG.
Other names: c.5595dup, p.Lys1866fs (NM_001164507.2, NM_001271208.2, NM_004543.5); short protein forms K1866fs.
Identifiers: ClinVar variation 1445125 (VCV001445125.6), dbSNP rs2154172582, ClinGen allele CA2573133243.